The following is an entry in ClinVar:

NM_000179.3(MSH6):c.2173A>G (p.Ile725Val)

Gene: MSH6 (mutS homolog 6; plus strand). Cytogenetic location: 2p16.3.
Variant type: single nucleotide variant.
Coding change: c.2173A>G on transcript NM_000179.3 (MANE Select); coding-DNA position 2173, A replaced by G.
Protein change: p.Ile725Val; replaces isoleucine 725 with valine.
Molecular consequence: missense variant.
Genome position (GRCh38, 1-based): chr2:47,800,156, A>G. VCF-style: chr2-47800156-A-G. GRCh37 (hg19) VCF-style: chr2-48027295-A-G.
Other names: p.I725V:ATC>GTC; c.1783A>G, p.Ile595Val (NM_001281492.2); c.1267A>G, p.Ile423Val (NM_001281493.2, NM_001281494.2); short protein forms I725V, I595V, I423V.
Identifiers: ClinVar variation 127569 (VCV000127569.36), dbSNP rs148898662, ClinGen allele CA009801.

ClinVar aggregate classification (germline): Conflicting classifications of pathogenicity. Review status: criteria provided, conflicting classifications (1 of 4 stars). 13 submissions from 13 submitters: Uncertain significance (2); Benign (1); Likely benign (9). 1 of the submissions does not count toward it. Last evaluated 2026-01-25.

Conditions:
MSH6-related disorder. Also called: MSH6-related condition; MSH6-Related disorders.
Hereditary nonpolyposis colorectal neoplasms. Identifiers: MedGen C0009405, MeSH D003123.
Breast and/or ovarian cancer. Identifiers: MedGen CN221562.
Hereditary cancer-predisposing syndrome. Also called: Neoplastic Syndromes, Hereditary; Tumor predisposition; Hereditary Cancer Syndrome; Hereditary neoplastic syndrome. Identifiers: Orphanet 140162, MedGen C0027672, MeSH D009386, MONDO:0015356.
Lynch syndrome 5 (LYNCH5). Also called: Hereditary non-polyposis colorectal cancer, type 5; Colorectal cancer, hereditary nonpolyposis, type 5. Identifiers: Orphanet 144, MedGen C1833477, MONDO:0013710, OMIM 614350. Disease mechanism: loss of function.

Allele frequency attached by ClinVar (database versions not stated): TOPMed 0.00004; gnomAD 0.00005; ExAC 0.00010; gnomAD exomes 0.00010; ESP Exome Variant Server 0.00023.
gnomAD v4.1: 131 of 1,614,098 alleles (0.0081%); highest among the groups gnomAD compares: South Asian, 0.037%; no homozygotes.

Submissions (13):

Labcorp Genetics (formerly Invitae), Labcorp
Classification: Likely benign for Hereditary nonpolyposis colorectal neoplasms. Last evaluated: 2026-01-25. Review status: criteria provided, single submitter. Criteria: Invitae Variant Classification Sherloc (09022015). Collection method: clinical testing. Allele origin: germline.

PreventionGenetics, part of Exact Sciences
Classification: Likely benign for MSH6-related condition. Last evaluated: 2026-01-07. Review status: criteria provided, single submitter. Criteria: ACMG Guidelines, 2015. Collection method: clinical testing. Allele origin: germline.
Comment: This variant is classified as likely benign based on ACMG/AMP sequence variant interpretation guidelines (Richards et al. 2015 PMID: 25741868, with internal and published modifications).

Myriad Genetics, Inc.
Classification: Likely benign for Lynch syndrome 5. Last evaluated: 2024-12-30. Review status: criteria provided, single submitter. Criteria: Myriad Autosomal Dominant, Autosomal Recessive and X-Linked Classification Criteria (2023). Collection method: clinical testing. Allele origin: unknown.
Comment: This variant is considered likely benign. This variant is strongly associated with less severe personal and family histories of cancer, typical for individuals without pathogenic variants in this gene [PMID: 27363726].

Blueprint Genetics
Classification: Likely benign. Last evaluated: 2024-10-25. Review status: criteria provided, single submitter. Criteria: ACMG Guidelines, 2015. Collection method: clinical testing. Allele origin: germline.

Quest Diagnostics Nichols Institute San Juan Capistrano
Classification: Likely benign. Last evaluated: 2024-10-14. Review status: criteria provided, single submitter. Criteria: Quest Diagnostics criteria. Collection method: clinical testing. Allele origin: unknown.

Color Diagnostics, LLC DBA Color Health
Classification: Benign for Hereditary cancer-predisposing syndrome. Last evaluated: 2024-10-02. Review status: criteria provided, single submitter. Criteria: ACMG Guidelines, 2015. Collection method: clinical testing. Allele origin: germline.

Revvity Omics, Revvity
Classification: Uncertain significance. Last evaluated: 2024-03-27. Review status: criteria provided, single submitter. Criteria: ACMG Guidelines, 2015. Collection method: clinical testing. Allele origin: germline.

Women's Health and Genetics/Laboratory Corporation of America, LabCorp
Classification: Likely benign. Last evaluated: 2023-10-02. Review status: criteria provided, single submitter. Criteria: LabCorp Variant Classification Summary - May 2015. Collection method: clinical testing. Allele origin: germline.
Comment: Variant summary: MSH6 c.2173A>G (p.Ile725Val) results in a conservative amino acid change in the encoded protein sequence. Four of five in-silico tools predict a benign effect of the variant on protein function. The variant allele was found at a frequency of 0.0001 in 250960 control chromosomes, predominantly at a frequency of 0.00046 within the South Asian subpopulation in the gnomAD database. The observed variant frequency within South Asian control individuals in the gnomAD database is approximately 3-fold of the estimated maximal expected allele frequency for a pathogenic variant in MSH6 causing Hereditary Nonpolyposis Colorectal Cancer phenotype (0.00014), strongly suggesting that the variant is a benign polymorphism found primarily in populations of South Asian origin. c.2173A>G has been reported in the literature in individuals affected with unspecified cancer or having undertaken cancer gene testing, without strong evidence for causality (examples, Tung_2014, Zhang_2015, Carnevali_2021). These report(s) do not provide unequivocal conclusions about association of the variant with Hereditary Nonpolyposis Colorectal Cancer. This variant has also been reported in both case and control cohorts from a large case-control study of Breast cancers (Dorling_2021). Co-occurrences with other pathogenic variant(s) have been reported (MSH6 c.(260+1_261_1)_(457+1_458-1)del p.(Ser87Argfs*19)), providing supporting evidence for a benign role (Carnevali_2021). To our knowledge, no experimental evidence demonstrating an impact on protein function has been reported. The following publications have been ascertained in the context of this evaluation (PMID: 34519692, 33471991, 23621914, 25186627, 26580448). Seven submitters have cited clinical-significance assessments for this variant to ClinVar after 2014 (VUS, n=2; Likely benign, n=5). Based on the evidence outlined above, the variant was classified as likely benign.

CHEO Genetics Diagnostic Laboratory, Children's Hospital of Eastern Ontario
Classification: Uncertain significance for Breast and/or ovarian cancer. Last evaluated: 2021-02-09. Review status: criteria provided, single submitter. Criteria: ACMG Guidelines, 2015. Collection method: clinical testing. Allele origin: germline.

GeneDx
Classification: Likely benign. Last evaluated: 2020-03-27. Review status: criteria provided, single submitter. Criteria: GeneDx Variant Classification Process June 2021. Collection method: clinical testing. Allele origin: germline. Affected: yes.
Comment: This variant is associated with the following publications: (PMID: 23621914, 25186627)

Mendelics
Classification: Likely benign for Lynch syndrome 5. Last evaluated: 2019-05-28. Review status: criteria provided, single submitter. Criteria: Mendelics Assertion Criteria 2017. Collection method: clinical testing. Allele origin: unknown.

Ambry Genetics
Classification: Likely benign for Hereditary cancer-predisposing syndrome. Last evaluated: 2018-05-22. Review status: criteria provided, single submitter. Criteria: Ambry Variant Classification Scheme 2023. Collection method: clinical testing. Allele origin: germline.

Department of Pathology and Laboratory Medicine, Sinai Health System
Classification: Uncertain significance. Review status: no assertion criteria provided. Collection method: clinical testing. Allele origin: unknown. Affected: yes. Study: The Canadian Open Genetics Repository (COGR). Not counted in ClinVar's aggregate classification.
Comment: The MSH6 p.Ile725Val variant was not identified in the literature. The variant was identified in dbSNP (ID: rs148898662) as "With Uncertain significance allele", ClinVar (classified as likely benign by Ambry Genetics; as uncertain significance by GeneDx and Invitae), and in UMD-LSDB (1x as unclassified variant). The variant was identified in control databases in 28 of 276672 chromosomes at a frequency of 0.0001 (Genome Aggregation Database Feb 27, 2017). The variant was observed in the following populations: Latino in 2 of 34406 chromosomes (freq: 0.00006), European in 12 of 126200 chromosomes (freq: 0.0001), and South Asian in 14 of 30782 chromosomes (freq: 0.0005); the variant was not observed in the African, â€šÃ„ÃºOtherâ€šÃ„Ã¹, Ashkenazi Jewish, East Asian, or Finnish, populations. The p.Ile725 residue is not conserved in mammals and computational analyses (PolyPhen-2, SIFT, AlignGVGD, BLOSUM, MutationTaster) do not suggest a high likelihood of impact to the protein; however, this information is not predictive enough to rule out pathogenicity. The variant occurs outside of the splicing consensus sequence and in silico or computational prediction software programs (SpliceSiteFinder, MaxEntScan, NNSPLICE, GeneSplicer) do not predict a difference in splicing. In summary, based on the above information the clinical significance of this variant cannot be determined with certainty at this time. This variant is classified as a variant of uncertain significance.

Literature cited by the submitters: PubMed 27363726 (cited by Myriad Genetics, Inc.); PubMed 25186627 (cited by Quest Diagnostics Nichols Institute San Juan Capistrano and Women's Health and Genetics/Laboratory Corporation of America, LabCorp); PubMed 23621914 (cited by 3 submitters); PubMed 34519692 (cited by Quest Diagnostics Nichols Institute San Juan Capistrano and Women's Health and Genetics/Laboratory Corporation of America, LabCorp); PubMed 33471991 (cited by Quest Diagnostics Nichols Institute San Juan Capistrano and Women's Health and Genetics/Laboratory Corporation of America, LabCorp); PubMed 26580448 (cited by Quest Diagnostics Nichols Institute San Juan Capistrano and Women's Health and Genetics/Laboratory Corporation of America, LabCorp); PubMed 11709755 (cited by Ambry Genetics).